The following is an entry in ClinVar:

ClinVar aggregate classification (germline): Uncertain significance (1 of 4 stars; one submission).

Submission:

GeneDx
Classification: Uncertain significance. Last evaluated: 2020-03-10. Review status: criteria provided, single submitter. Criteria: GeneDx Variant Classification Process June 2021. Collection method: clinical testing. Allele origin: germline. Affected: yes.
Comment: Not observed in large population cohorts (Lek et al., 2016); Has not been previously published as pathogenic or benign to our knowledge; In-silico analysis, which includes splice predictors and evolutionary conservation, is inconclusive as to whether the variant alters gene splicing. In the absence of RNA/functional studies, the actual effect of this sequence change is unknown.

NM_001987.5(ETV6):c.34-8T>G

Gene: ETV6 (ETS variant transcription factor 6; plus strand). Cytogenetic location: 12p13.2.
Variant type: single nucleotide variant.
Coding change: c.34-8T>G on transcript NM_001987.5 (MANE Select); 8 bases into the intron before coding-DNA position 34, T replaced by G.
Molecular consequence: intron variant.
Genome position (GRCh38, 1-based): chr12:11,752,442, T>G. VCF-style: chr12-11752442-T-G. GRCh37 (hg19) VCF-style: chr12-11905376-T-G.
Identifiers: ClinVar variation 1214397 (VCV001214397.3), dbSNP rs2121067248, ClinGen allele CA2499221459.